The following is an entry in ClinVar:

ClinVar aggregate classification (germline): Uncertain significance (1 of 4 stars; one submission).

Conditions:
Colorectal cancer, hereditary nonpolyposis, type 7. Identifiers: Orphanet 144, MedGen C1858380, MONDO:0013725, OMIM 614385.

Allele frequency attached by ClinVar (database versions not stated): gnomAD exomes 0.00001.

Submission:

Labcorp Genetics (formerly Invitae), Labcorp
Classification: Uncertain significance for Colorectal cancer, hereditary nonpolyposis, type 7. Last evaluated: 2021-12-29. Review status: criteria provided, single submitter. Criteria: Invitae Variant Classification Sherloc (09022015). Collection method: clinical testing. Allele origin: germline.
Comment: This variant has not been reported in the literature in individuals affected with MLH3-related conditions. This sequence change creates a premature translational stop signal (p.Arg895Valfs*21) in the MLH3 gene. It is expected to result in an absent or disrupted protein product. However, the current clinical and genetic evidence is not sufficient to establish whether loss-of-function variants in MLH3 cause disease. This variant is present in population databases (no rsID available, gnomAD 0.0009%). Experimental studies and prediction algorithms are not available or were not evaluated, and the functional significance of this variant is currently unknown. In summary, the available evidence is currently insufficient to determine the role of this variant in disease. Therefore, it has been classified as a Variant of Uncertain Significance.

NM_001040108.2(MLH3):c.2683del (p.Arg895fs)

Gene: MLH3 (mutL homolog 3; minus strand). Cytogenetic location: 14q24.3.
Variant type: Deletion.
Coding change: c.2683del on transcript NM_001040108.2 (MANE Select); coding-DNA position 2683, one base deleted (C; older notation c.2683delC).
Protein change: p.Arg895fs; shifts the reading frame from arginine 895.
Molecular consequence: frameshift variant.
Genome position (GRCh38, 1-based): chr14:75,046,973, G deleted on the plus strand (C on the coding strand, the reverse complement: MLH3 is on the minus strand). VCF-style (leftmost placement, unchanged base first): chr14-75046972-CG-C. GRCh37 (hg19) VCF-style: chr14-75513675-CG-C.
Other names: c.2683del, p.Arg895fs (NM_014381.3); short protein forms R895fs.
Identifiers: ClinVar variation 2194457 (VCV002194457.4), dbSNP rs1566603547, ClinGen allele CA615194112.
Genomic context (GRCh38, chr14:75,046,972, plus strand): 5'-AACACACTGCACAACTTGCTGTCTTTCCTACTGGAATCTGAATTTGGAAGTTCATTAAAA[CG>C]ACTCATCATCCCCATTGTTTGAGTTTCTCTTTCGGAACCCTTCAGTCTGGATAATTTAGA-3'